The following is an entry in ClinVar:

ClinVar aggregate classification (germline): Likely benign (1 of 4 stars; one submission).

gnomAD v4.1: 23 of 1,541,894 alleles (0.0015%); highest among the groups gnomAD compares: African/African-American, 0.027%; no homozygotes.

Submission:

CeGaT Center for Human Genetics Tuebingen
Classification: Likely benign. Last evaluated: 2025-06-01. Review status: criteria provided, single submitter. Criteria: CeGaT Center For Human Genetics Tuebingen Variant Classification Criteria Version 2. Collection method: clinical testing. Allele origin: germline. Affected: yes. Observed: 1 variant allele.
Comment: CACUL1: BP4, BP7

NM_153810.5(CACUL1):c.708C>T (p.Ile236=)

Gene: CACUL1 (CDK2 associated cullin domain 1; minus strand). Cytogenetic location: 10q26.11.
Variant type: single nucleotide variant.
Coding change: c.708C>T on transcript NM_153810.5 (MANE Select); coding-DNA position 708, C replaced by T.
Protein change: p.Ile236=; no amino-acid change (isoleucine 236 retained).
Molecular consequence: synonymous variant.
Genome position (GRCh38, 1-based): chr10:118,701,394, G>A on the plus strand (C>T on the coding strand, the complement: CACUL1 is on the minus strand). VCF-style: chr10-118701394-G-A. GRCh37 (hg19) VCF-style: chr10-120460906-G-A.
Identifiers: ClinVar variation 3905426 (VCV003905426.10).
Genomic context (GRCh38, chr10:118,701,394, plus strand): 5'-AACATGTTCCGTAAACAGCTTTATAAGGTCATCTTTTAAGTCTCTGTTAAGCTTGGTTTC[G>A]ATGTAAAACTTATTCTGAAAAATAAAATAAAATCTTTTTTTGTGTATTAATTGGGGAAAT-3'
Protein context (NP_722517.3, residues 226-246): PLFIYMNKFY[Ile236=]ETKLNRDLKD